The following is an entry in ClinVar:

NM_001009944.3(PKD1):c.7008C>G (p.Tyr2336Ter)

Gene: PKD1 (polycystin 1, transient receptor potential channel interacting; minus strand). Cytogenetic location: 16p13.3.
Variant type: single nucleotide variant.
Coding change: c.7008C>G on transcript NM_001009944.3 (MANE Select); coding-DNA position 7008, C replaced by G.
Protein change: p.Tyr2336Ter; replaces tyrosine 2336 with a stop codon.
Molecular consequence: nonsense.
Genome position (GRCh38, 1-based): chr16:2,107,940, G>C on the plus strand (C>G on the coding strand, the complement: PKD1 is on the minus strand). VCF-style: chr16-2107940-G-C. GRCh37 (hg19) VCF-style: chr16-2157941-G-C.
Other names: c.7008C>G, p.Tyr2336Ter (NM_000296.4); short protein forms Y2336*.
Identifiers: ClinVar variation 972839 (VCV000972839.3), dbSNP rs2092401442, ClinGen allele CA394372434.
Genomic context (GRCh38, chr16:2,107,940, plus strand): 5'-CACCGTCTGGTTGGTGGCCTCCTCCTTGCGGCCGGCCTTCCACACGGTCAGGCTGAAGGT[G>C]TACTCCACGCCAGCCGCCAGCCGCTCCCGTGGAATGGTGACCGTGCTGCTCCCGCGGGGC-3'

ClinVar aggregate classification (germline): Pathogenic. Review status: criteria provided, multiple submitters, no conflicts (2 of 4 stars). 2 submissions from 2 submitters: Pathogenic (2). Last evaluated 2024-10-09.

Conditions:
Polycystic kidney disease, adult type (PKD1). Also called: Polycystic Kidney Disease 1, Autosomal Dominant; Polycystic kidney disease 1; Polycystic kidney disease 1, severe; Polycystic Kidney, Autosomal Dominant; POLYCYSTIC KIDNEY DISEASE 1 WITH OR WITHOUT POLYCYSTIC LIVER DISEASE; POLYCYSTIC KIDNEY DISEASE, ADULT, TYPE I. Identifiers: MedGen C3149841, MONDO:0008263, OMIM 173900.

gnomAD v4.1: 1 of 1,546,438 alleles (0.000065%); highest among the groups gnomAD compares: Non-Finnish European, 0.000087%; no homozygotes.

Submissions (2):

Victorian Clinical Genetics Services, Murdoch Childrens Research Institute
Classification: Pathogenic for Polycystic kidney disease, adult type. Last evaluated: 2024-10-09. Review status: criteria provided, single submitter. Criteria: ACMG Guidelines, 2015. Collection method: clinical testing. Allele origin: germline. Inheritance: Autosomal dominant inheritance. Affected: yes.
Comment: Based on the classification scheme VCGS_Germline_v1.3.4, this variant is classified as Pathogenic. Following criteria are met: 0102 - Loss of function is a known mechanism of disease in this gene and is associated with polycystic kidney disease 1 (MIM#173900). (I) 0107 - This gene is associated with autosomal dominant disease. Polycystic kidney disease 1 (MIM#173900) is predominantly caused by monoallelic variants, with rare reports of biallelic variants causing disease (OMIM). (I) 0201 - Variant is predicted to cause nonsense-mediated decay (NMD) and loss of protein (premature termination codon is located at least 54 nucleotides upstream of the final exon-exon junction). (SP) 0251 - This variant is heterozygous. (I) 0301 - Variant is absent from gnomAD (both v2 and v3). (SP) 0701 - Other NMD-predicted variants comparable to the one identified in this case have very strong previous evidence for pathogenicity (DECIPHER). (SP) 0801 - This variant has strong previous evidence of pathogenicity in unrelated individuals. This variant has been reported as pathogenic (ClinVar), and observed in multiple families with polycystic kidney disease (LOVD,, VCGS cohort). (SP) 1208 - Inheritance information for this variant is not currently available in this individual. (I) Legend: (SP) - Supporting pathogenic, (I) - Information, (SB) - Supporting benign

Molecular Genetics of Inherited Kidney Disorders Laboratory, Garvan Institute of Medical Research
Classification: Pathogenic. Last evaluated: 2019-01-01. Review status: criteria provided, single submitter. Criteria: ACMG Guidelines, 2015. Collection method: clinical testing. Allele origin: germline. Affected: yes.